The following is an entry in ClinVar:

ClinVar aggregate classification (germline): Uncertain significance (1 of 4 stars; one submission).

Conditions:
Intellectual disability, autosomal dominant 9 (NESCAVS). Also called: KIF1A-Related Neurodevelopmental Disorder; NESCAV SYNDROME. Identifiers: Orphanet 662367, MedGen C5393830, MONDO:0013656, OMIM 614255.

gnomAD v4.1: 1 of 1,603,726 alleles (0.000062%); no homozygotes.

Submission:

Victorian Clinical Genetics Services, Murdoch Childrens Research Institute
Classification: Uncertain significance for Intellectual disability, autosomal dominant 9. Last evaluated: 2023-07-16. Review status: criteria provided, single submitter. Criteria: ACMG Guidelines, 2015. Collection method: clinical testing. Allele origin: germline. Inheritance: Autosomal dominant inheritance. Affected: yes.
Comment: Based on the classification scheme VCGS_Germline_v1.3.4, this variant is classified as VUS-3A. Following criteria are met: 0103 - Dominant negative, loss of function and gain of function are known mechanisms of disease in this gene. Dominant negative effect has been shown to cause NESCAV syndrome (MIM#614255; OMIM). Both loss and gain of function mechanisms have been reported for variants causing spastic paraplegia (MIM#610357, MIM#610357) and hereditary sensory and autonomic neuropathy type 2 (HSAN2; MIM#614213) (PMID: 31488895, 31455732). (I) 0108 - This gene is known to be associated with both recessive and dominant disease. Genotype-phenotype correlation is currently unestablished. Missense variants tend to cluster within the kinesin motor domain and have been reported for both SPG30 and NESCAV syndrome. Only the correlation for HSAN2 (MIM#614213) is established with all patients carrying null variants outside the motor domain, with only one exception (PMID: 32737135). (I) 0200 - Variant is predicted to result in a missense amino acid change from methionine to threonine. (I) 0251 - This variant is heterozygous. (I) 0301 - Variant is absent from gnomAD (both v2 and v3). (SP) 0309 - An alternative amino acid change at the same position has been observed in gnomAD (v3) (1 heterozygote, 0 homozygotes). (I) 0502 - Missense variant with conflicting in silico predictions and uninformative conservation. (I) 0600 - Variant is located in the annotated KIF1B domain (DECIPHER). (I) 0705 - No comparable missense variants have previous evidence for pathogenicity. (I) 0807 - This variant has no previous evidence of pathogenicity. (I) 0905 - No published segregation evidence has been identified for this variant. (I) 1007 - No published functional evidence has been identified for this variant. (SP) Legend: (SP) - Supporting pathogenic, (I) - Information, (SB) - Supporting benign

Literature cited by the submitters: PubMed 31455732; PubMed 31488895; PubMed 32737135.

NM_001244008.2(KIF1A):c.2471T>C (p.Met824Thr)

Gene: KIF1A (kinesin family member 1A; minus strand). Cytogenetic location: 2q37.3.
Variant type: single nucleotide variant.
Coding change: c.2471T>C on transcript NM_001244008.2 (MANE Select); coding-DNA position 2471, T replaced by C.
Protein change: p.Met824Thr; replaces methionine 824 with threonine.
Molecular consequence: missense variant.
Genome position (GRCh38, 1-based): chr2:240,758,471, A>G on the plus strand (T>C on the coding strand, the complement: KIF1A is on the minus strand). VCF-style: chr2-240758471-A-G. GRCh37 (hg19) VCF-style: chr2-241697888-A-G.
Other names: c.2444T>C, p.Met815Thr (NM_001379651.1, NM_001379653.1, NM_004321.8 and 10 more transcripts); c.2471T>C, p.Met824Thr (NM_001320705.2, NM_001330289.2, NM_001379638.1); c.2546T>C, p.Met849Thr (NM_001330290.2, NM_001379631.1, NM_001379634.1 and 2 more transcripts); c.2519T>C, p.Met840Thr (NM_001379637.1, NM_001379648.1); short protein forms M815T, M824T, M840T, M849T.
Identifiers: ClinVar variation 3376619 (VCV003376619.1).
Genomic context (GRCh38, chr2:240,758,471, plus strand): 5'-GTCACCACGTTGTCACAGTCCTCGATGACACTGGAGGGCACCTCTGCAGCGCGGTCGTAC[A>G]TCTCCCGCATCAGGTCCAGACGCTGCCTGCAGGGACGGCAGGGGTCAATGTGGACCCAGG-3'
Protein context (NP_001230937.1, residues 814-834): LRQRLDLMRE[Met824Thr]YDRAAEVPSS